The following is an entry in ClinVar:

ClinVar aggregate classification (germline): Likely pathogenic. Review status: criteria provided, multiple submitters, no conflicts (2 of 4 stars). 3 submissions from 3 submitters: Likely pathogenic (2). 1 of the submissions does not count toward it. Last evaluated 2024-05-16.

Conditions:
Congenital hyperammonemia, type I. Also called: Carbamoyl-phosphate synthase I deficiency; CPS I DEFICIENCY; Carbamoyl phosphate synthetase I deficiency disease; Carbamoyl phosphate synthetase 1 deficiency; Hyperammonemia due to carbamoyl phosphate synthetase 1 deficiency; CPS 1 deficiency. Identifiers: Orphanet 147, MedGen C4082171, MONDO:0009376, OMIM 237300.
Pulmonary hypertension, neonatal, susceptibility to (PHN). Identifiers: MedGen C3714958, MONDO:0014151, OMIM 615371.

Allele frequency attached by ClinVar (database versions not stated): ExAC 0.00001; gnomAD exomes 0.00001.
gnomAD v4.1: 7 of 1,613,966 alleles (0.00043%); highest among the groups gnomAD compares: South Asian, 0.0066%; no homozygotes.

Submissions (3):

Fulgent Genetics
Classification: Likely pathogenic for Congenital hyperammonemia, type I; Pulmonary hypertension, neonatal, susceptibility to. Last evaluated: 2024-05-16. Review status: criteria provided, single submitter. Criteria: ACMG Guidelines, 2015. Collection method: clinical testing. Allele origin: germline.

Women's Health and Genetics/Laboratory Corporation of America, LabCorp
Classification: Likely pathogenic for Congenital hyperammonemia, type I. Last evaluated: 2024-03-14. Review status: criteria provided, single submitter. Criteria: LabCorp Variant Classification Summary - May 2015. Collection method: clinical testing. Allele origin: germline.
Comment: Variant summary: CPS1 c.2738C>T (p.Ser913Leu) results in a non-conservative amino acid change in the encoded protein sequence. Five of five in-silico tools predict a damaging effect of the variant on protein function. The variant allele was found at a frequency of 8e-06 in 251354 control chromosomes (gnomAD). c.2738C>T has been reported in the literature in individuals affected with Carbamoylphosphate Synthetase I Deficiency (Haberle_2011, Makris_2021). These data indicate that the variant may be associated with disease. At least one publication reports experimental evidence evaluating an impact on protein function, finding that the variant drastically decreased the yield of pure CPS1 and specific enzyme activity (Diez-Fernandez_2014). The following publications have been ascertained in the context of this evaluation (PMID: 21120950, 24813853, 33309754, 35003817). ClinVar contains an entry for this variant (Variation ID: 558211). Based on the evidence outlined above, the variant was classified as likely pathogenic.

Counsyl
Classification: Uncertain significance for Congenital hyperammonemia, type I. Last evaluated: 2018-05-10. Review status: no assertion criteria provided. Collection method: clinical testing. Allele origin: unknown. Not counted in ClinVar's aggregate classification.

Literature cited by the submitters: PubMed 21120950 (cited by Women's Health and Genetics/Laboratory Corporation of America, LabCorp and Counsyl); PubMed 33309754 (cited by Women's Health and Genetics/Laboratory Corporation of America, LabCorp); PubMed 24813853 (cited by Women's Health and Genetics/Laboratory Corporation of America, LabCorp and Counsyl); PubMed 35003817 (cited by Women's Health and Genetics/Laboratory Corporation of America, LabCorp).

NM_001875.5(CPS1):c.2738C>T (p.Ser913Leu)

Gene: CPS1 (carbamoyl-phosphate synthase 1; plus strand). Cytogenetic location: 2q34.
Variant type: single nucleotide variant.
Coding change: c.2738C>T on transcript NM_001875.5 (MANE Select); coding-DNA position 2738, C replaced by T.
Protein change: p.Ser913Leu; replaces serine 913 with leucine.
Molecular consequence: missense variant. On other transcripts: non-coding transcript variant (2).
Genome position (GRCh38, 1-based): chr2:210,637,752, C>T. VCF-style: chr2-210637752-C-T. GRCh37 (hg19) VCF-style: chr2-211502476-C-T.
Other names: c.2738C>T (LRG_336t1); c.2738C>T, p.Ser913Leu (NM_001122633.3, NM_001369257.1); c.2771C>T, p.Ser924Leu (NM_001369256.1); short protein forms S913L, S924L.
Identifiers: ClinVar variation 558211 (VCV000558211.5), dbSNP rs754706559, ClinGen allele CA2086733.